The following is an entry in ClinVar:

ClinVar aggregate classification (germline): Pathogenic (1 of 4 stars; one submission).

Conditions:
Neurofibromatosis, type 2 (SWNV). Also called: BILATERAL ACOUSTIC NEUROFIBROMATOSIS; SCHWANNOMATOSIS, VESTIBULAR; NF2-Related Schwannomatosis. Identifiers: Orphanet 637, MedGen C0027832, MONDO:0007039, OMIM 101000. Disease mechanism: loss of function.

Submission:

Labcorp Genetics (formerly Invitae), Labcorp
Classification: Pathogenic for Neurofibromatosis, type 2. Last evaluated: 2021-09-09. Review status: criteria provided, single submitter. Criteria: Invitae Variant Classification Sherloc (09022015). Collection method: clinical testing. Allele origin: germline.
Comment: This sequence change creates a premature translational stop signal (p.Gln147*) in the NF2 gene. It is expected to result in an absent or disrupted protein product. Loss-of-function variants in NF2 are known to be pathogenic (PMID: 9643284, 16983642). This variant is not present in population databases (ExAC no frequency). This premature translational stop signal has been observed in individual(s) with neurofibromatosis type 2 (PMID: 26407091). For these reasons, this variant has been classified as Pathogenic.

Literature cited by the submitters: PubMed 9643284; PubMed 16983642; PubMed 26407091.

NM_000268.4(NF2):c.439C>T (p.Gln147Ter)

Gene: NF2 (NF2, moesin-ezrin-radixin like (MERLIN) tumor suppressor; plus strand). Cytogenetic location: 22q12.2.
Variant type: single nucleotide variant.
Coding change: c.439C>T on transcript NM_000268.4 (MANE Select); coding-DNA position 439, C replaced by T.
Protein change: p.Gln147Ter; replaces glutamine 147 with a stop codon.
Molecular consequence: nonsense. On other transcripts: non-coding transcript variant (1).
Genome position (GRCh38, 1-based): chr22:29,642,277, C>T. VCF-style: chr22-29642277-C-T. GRCh37 (hg19) VCF-style: chr22-30038266-C-T.
Other names: c.439C>T, p.Gln147Ter (NM_016418.5, NM_181825.3, NM_181832.3 and 1 more transcripts); c.313C>T, p.Gln105Ter (NM_181828.3); c.316C>T, p.Gln106Ter (NM_181829.3); c.190C>T, p.Gln64Ter (NM_181830.3, NM_181831.3); short protein forms Q105*, Q106*, Q147*, Q64*.
Identifiers: ClinVar variation 1452729 (VCV001452729.6), dbSNP rs2146894926, ClinGen allele CA411153876.